The following is an entry in ClinVar:

NM_001273.5(CHD4):c.3059A>G (p.Asn1020Ser)

Gene: CHD4 (chromodomain helicase DNA binding protein 4; minus strand). Cytogenetic location: 12p13.31.
Variant type: single nucleotide variant.
Coding change: c.3059A>G on transcript NM_001273.5 (MANE Select); coding-DNA position 3059, A replaced by G.
Protein change: p.Asn1020Ser; replaces asparagine 1020 with serine.
Molecular consequence: missense variant.
Genome position (GRCh38, 1-based): chr12:6,591,947, T>C on the plus strand (A>G on the coding strand, the complement: CHD4 is on the minus strand). VCF-style: chr12-6591947-T-C. GRCh37 (hg19) VCF-style: chr12-6701113-T-C.
Other names: c.3038A>G, p.Asn1013Ser (NM_001297553.2); c.3020A>G, p.Asn1007Ser (NM_001363606.2); short protein forms N1007S, N1013S, N1020S.
Identifiers: ClinVar variation 2662816 (VCV002662816.3), dbSNP rs1592273770, ClinGen allele CA383586725.

ClinVar aggregate classification (germline): Likely pathogenic (1 of 4 stars; one submission).

Submission:

GeneDx
Classification: Likely pathogenic. Last evaluated: 2026-10-02. Review status: criteria provided, single submitter. Criteria: GeneDx Variant Classification Process June 2021. Collection method: clinical testing. Allele origin: germline.
Comment: De novo variant with confirmed parentage in a patient with features consistent with CHD4-related neurodevelopmental disorder in the published literature (PMID: 31388190); Not observed at significant frequency in large population cohorts (gnomAD); In silico analysis supports that this missense variant has a deleterious effect on protein structure/function; This variant is associated with the following publications: (PMID: 31388190, 41756679)